The following is an entry in ClinVar:

ClinVar aggregate classification (germline): Uncertain significance (1 of 4 stars; one submission).

Submission:

GeneDx
Classification: Uncertain significance. Last evaluated: 2024-11-12. Review status: criteria provided, single submitter. Criteria: GeneDx Variant Classification Process June 2021. Collection method: clinical testing. Allele origin: germline. Affected: yes.
Comment: Not observed at significant frequency in large population cohorts (gnomAD); In silico analysis supports that this missense variant has a deleterious effect on protein structure/function; Has not been previously published as pathogenic or benign to our knowledge

NM_017617.5(NOTCH1):c.4632C>G (p.His1544Gln)

Gene: NOTCH1 (notch receptor 1; minus strand). Cytogenetic location: 9q34.3.
Variant type: single nucleotide variant.
Coding change: c.4632C>G on transcript NM_017617.5 (MANE Select); coding-DNA position 4632, C replaced by G.
Protein change: p.His1544Gln; replaces histidine 1544 with glutamine.
Molecular consequence: missense variant.
Genome position (GRCh38, 1-based): chr9:136,505,059, G>C on the plus strand (C>G on the coding strand, the complement: NOTCH1 is on the minus strand). VCF-style: chr9-136505059-G-C. GRCh37 (hg19) VCF-style: chr9-139399511-G-C.
Other names: short protein forms H1544Q.
Identifiers: ClinVar variation 3898838 (VCV003898838.1).
Genomic context (GRCh38, chr9:136,505,059, plus strand): 5'-ATGCTCCGCACAGTCCAGCCCGTCCCACTCGCACTCCGCGCTGTTGCAGCCCTGGTCGCA[G>C]TGCCCGTCGCTGAAGTGGTCCTTGCAGTACTGGTCGTACAGGGGGCTGTGGGGGGCGGGA-3'
Protein context (NP_060087.3, residues 1534-1554): QYCKDHFSDG[His1544Gln]CDQGCNSAEC